The following is an entry in ClinVar:

NM_001382.4(DPAGT1):c.918-4G>A

Gene: DPAGT1 (dolichyl-phosphate N-acetylglucosaminephosphotransferase 1; minus strand). Cytogenetic location: 11q23.3.
Variant type: single nucleotide variant.
Coding change: c.918-4G>A on transcript NM_001382.4 (MANE Select); 4 bases into the intron before coding-DNA position 918, G replaced by A.
Molecular consequence: intron variant.
Genome position (GRCh38, 1-based): chr11:119,097,555, C>T on the plus strand (G>A on the coding strand, the complement: DPAGT1 is on the minus strand). VCF-style: chr11-119097555-C-T. GRCh37 (hg19) VCF-style: chr11-118968265-C-T.
Identifiers: ClinVar variation 302747 (VCV000302747.41), dbSNP rs201656540, ClinGen allele CA6314492.
Genomic context (GRCh38, chr11:119,097,555, plus strand): 5'-CTCTTGGTCTTGAACTTGGAATAGCTCATCTCCAGTTTGCCTGTCTTGATATTGAGTCTG[C>T]GGGGGGAAGATAGCTTCATGTGACTGGGCCACTATTTGAACCCTCCTCCCTGTGGCTAAT-3'

ClinVar aggregate classification (germline): Conflicting classifications of pathogenicity. Review status: criteria provided, conflicting classifications (1 of 4 stars). 5 submissions from 5 submitters: Uncertain significance (1); Likely benign (4). Last evaluated 2026-02-01.

Conditions:
DPAGT1-congenital disorder of glycosylation. Also called: CONGENITAL DISORDER OF GLYCOSYLATION, TYPE Ij; CDG Ij; DPAGT1-CDG. Identifiers: Orphanet 86309, MedGen C2931004, MONDO:0011964, OMIM 608093.
Congenital myasthenic syndrome 13 (CMS13). Also called: Myasthenic syndrome, congenital, 13, with tubular aggregates; Myasthenic syndrome, congenital, with tubular aggregates 2. Identifiers: Orphanet 353327, Orphanet 590, MedGen C3553645, MONDO:0013883, OMIM 614750.

Allele frequency attached by ClinVar (database versions not stated): gnomAD exomes 0.00049 and 0.00068; ExAC 0.00052; ESP Exome Variant Server 0.00069; gnomAD 0.00070 and 0.00073; TOPMed 0.00039.
gnomAD v4.1: 834 of 1,614,060 alleles (0.052%); highest among the groups gnomAD compares: Non-Finnish European, 0.036%; no homozygotes.

Submissions (5):

Labcorp Genetics (formerly Invitae), Labcorp
Classification: Likely benign for Congenital myasthenic syndrome 13; DPAGT1-congenital disorder of glycosylation. Last evaluated: 2026-02-01. Review status: criteria provided, single submitter. Criteria: Invitae Variant Classification Sherloc (09022015). Collection method: clinical testing. Allele origin: germline.

Blueprint Genetics
Classification: Likely benign. Last evaluated: 2024-11-21. Review status: criteria provided, single submitter. Criteria: ACMG Guidelines, 2015. Collection method: clinical testing. Allele origin: germline.

CeGaT Center for Human Genetics Tuebingen
Classification: Likely benign. Last evaluated: 2024-01-01. Review status: criteria provided, single submitter. Criteria: CeGaT Center For Human Genetics Tuebingen Variant Classification Criteria Version 2. Collection method: clinical testing. Allele origin: germline. Affected: yes. Observed: 1 variant allele.
Comment: DPAGT1: BP4

GeneDx
Classification: Likely benign. Last evaluated: 2018-04-10. Review status: criteria provided, single submitter. Criteria: GeneDx Variant Classification Process June 2021. Collection method: clinical testing. Allele origin: germline. Affected: yes.

Illumina Laboratory Services, Illumina
Classification: Uncertain significance for DPAGT1-congenital disorder of glycosylation. Last evaluated: 2018-01-12. Review status: criteria provided, single submitter. Criteria: ICSL Variant Classification Criteria 13 December 2019. Collection method: clinical testing. Allele origin: germline.